The following is an entry in ClinVar:

NM_002506.3(NGF):c.474G>A (p.Met158Ile)

Genes: NGF (nerve growth factor; minus strand), NGF-AS1 (NGF antisense RNA 1; plus strand). Cytogenetic location: 1p13.2.
Variant type: single nucleotide variant.
Coding change: c.474G>A on transcript NM_002506.3 (MANE Select); coding-DNA position 474, G replaced by A.
Protein change: p.Met158Ile; replaces methionine 158 with isoleucine.
Molecular consequence: missense variant.
Genome position (GRCh38, 1-based): chr1:115,286,322, C>T on the plus strand (G>A on the coding strand, the complement: NGF is on the minus strand). VCF-style: chr1-115286322-C-T. GRCh37 (hg19) VCF-style: chr1-115828943-C-T.
Other names: c.474G>A, p.Met158Ile (NM_001437545.1); short protein forms M158I.
Identifiers: ClinVar variation 4809229 (VCV004809229.1).

ClinVar aggregate classification (germline): Uncertain significance (1 of 4 stars; one submission).

Conditions:
Congenital sensory neuropathy with selective loss of small myelinated fibers (HSAN5). Also called: HSAN Type V. Identifiers: Orphanet 64752, MedGen C0020075, MONDO:0012092, OMIM 608654.

Submission:

Labcorp Genetics (formerly Invitae), Labcorp
Classification: Uncertain significance for Congenital sensory neuropathy with selective loss of small myelinated fibers. Last evaluated: 2025-04-22. Review status: criteria provided, single submitter. Criteria: Invitae Variant Classification Sherloc (09022015). Collection method: clinical testing. Allele origin: germline.
Comment: This sequence change replaces methionine, which is neutral and non-polar, with isoleucine, which is neutral and non-polar, at codon 158 of the NGF protein (p.Met158Ile). This variant is present in population databases (no rsID available, gnomAD 0.0009%). This variant has not been reported in the literature in individuals affected with NGF-related conditions. Invitae Evidence Modeling of protein sequence and biophysical properties (such as structural, functional, and spatial information, amino acid conservation, physicochemical variation, residue mobility, and thermodynamic stability) indicates that this missense variant is not expected to disrupt NGF protein function with a negative predictive value of 80%. In summary, the available evidence is currently insufficient to determine the role of this variant in disease. Therefore, it has been classified as a Variant of Uncertain Significance.